The following is an entry in ClinVar:

ClinVar aggregate classification (germline): Uncertain significance. Review status: criteria provided, multiple submitters, no conflicts (2 of 4 stars). 4 submissions from 4 submitters: Uncertain significance (4). Last evaluated 2025-06-15.

Conditions:
Cardiovascular phenotype. Identifiers: MedGen CN230736.
Arrhythmogenic right ventricular cardiomyopathy (ARVD). Also called: Cardiomyopathy, ARVC; Arrhythmogenic right ventricular dysplasia; Arrhythmogenic cardiomyopathy; Arrhythmogenic Right Ventricular Cardiomyopathy (ARVC). Identifiers: Orphanet 247, MedGen C0349788, MeSH D019571, MONDO:0016587. Disease mechanism: loss of function. Inheritance: Various modes of inheritance.
Cardiomyopathy (CMYO). Also called: Cardiomyopathies. Identifiers: Orphanet 167848, MedGen C0878544, MONDO:0004994, HP:0001638. Inheritance: Various modes of inheritance.
Arrhythmogenic right ventricular dysplasia 10. Also called: Arrhythmogenic Right Ventricular Dysplasia/Cardiomyopathy10; ARRHYTHMOGENIC RIGHT VENTRICULAR DYSPLASIA, FAMILIAL, 10; Arrhythmogenic right ventricular dysplasia/cardiomyopathy, type 10. Identifiers: MedGen C1857777, MONDO:0012434, OMIM 610193.

Allele frequency attached by ClinVar (database versions not stated): TOPMed below 0.00001; gnomAD 0.00001.
gnomAD v4.1: 15 of 1,614,052 alleles (0.00093%); highest among the groups gnomAD compares: Non-Finnish European, 0.0012%; no homozygotes.

Submissions (4):

Labcorp Genetics (formerly Invitae), Labcorp
Classification: Uncertain significance for Arrhythmogenic right ventricular dysplasia 10. Last evaluated: 2025-06-15. Review status: criteria provided, single submitter. Criteria: Invitae Variant Classification Sherloc (09022015). Collection method: clinical testing. Allele origin: germline.
Comment: This sequence change replaces cysteine, which is neutral and slightly polar, with phenylalanine, which is neutral and non-polar, at codon 813 of the DSG2 protein (p.Cys813Phe). This variant is present in population databases (rs771255344, gnomAD 0.02%). This variant has not been reported in the literature in individuals affected with DSG2-related conditions. ClinVar contains an entry for this variant (Variation ID: 1791260). Invitae Evidence Modeling of protein sequence and biophysical properties (such as structural, functional, and spatial information, amino acid conservation, physicochemical variation, residue mobility, and thermodynamic stability) has been performed for this missense variant. However, the output from this modeling did not meet the statistical confidence thresholds required to predict the impact of this variant on DSG2 protein function. In summary, the available evidence is currently insufficient to determine the role of this variant in disease. Therefore, it has been classified as a Variant of Uncertain Significance.

Color Diagnostics, LLC DBA Color Health
Classification: Uncertain significance for Cardiomyopathy. Last evaluated: 2025-06-04. Review status: criteria provided, single submitter. Criteria: ACMG Guidelines, 2015. Collection method: clinical testing. Allele origin: germline.
Comment: This missense variant replaces cysteine with phenylalanine at codon 813 of the DSG2 protein. Computational prediction suggests that this variant may have deleterious impact on protein structure and function. To our knowledge, functional studies have not been reported for this variant. This variant has not been reported in individuals affected with DSG2-related disorders in the literature. This variant has been identified in 3/31406 chromosomes in the general population by the Genome Aggregation Database (gnomAD). The available evidence is insufficient to determine the role of this variant in disease conclusively. Therefore, this variant is classified as a Variant of Uncertain Significance.

Ambry Genetics
Classification: Uncertain significance for Cardiovascular phenotype. Last evaluated: 2024-10-15. Review status: criteria provided, single submitter. Criteria: Ambry Variant Classification Scheme 2023. Collection method: clinical testing. Allele origin: germline.
Comment: The p.C813F variant (also known as c.2438G>T), located in coding exon 15 of the DSG2 gene, results from a G to T substitution at nucleotide position 2438. The cysteine at codon 813 is replaced by phenylalanine, an amino acid with highly dissimilar properties. This amino acid position is highly conserved in available vertebrate species. In addition, this alteration is predicted to be deleterious by in silico analysis. Since supporting evidence is limited at this time, the clinical significance of this alteration remains unclear.

All of Us Research Program, National Institutes of Health
Classification: Uncertain significance for Arrhythmogenic right ventricular cardiomyopathy. Last evaluated: 2024-09-11. Review status: criteria provided, single submitter. Criteria: ACMG Guidelines, 2015. Collection method: clinical testing. Allele origin: germline. Inheritance: Autosomal dominant inheritance. Observed: 2 variant alleles, 2 heterozygotes.
Comment: This missense variant replaces cysteine with phenylalanine at codon 813 of the DSG2 protein. Computational prediction suggests that this variant may have deleterious impact on protein structure and function (internally defined REVEL score threshold >= 0.7, PMID: 27666373). To our knowledge, functional studies have not been reported for this variant. This variant has not been reported in individuals affected with DSG2-related disorders in the literature. This variant has been identified in 3/31406 chromosomes in the general population by the Genome Aggregation Database (gnomAD). The available evidence is insufficient to determine the role of this variant in disease conclusively. Therefore, this variant is classified as a Variant of Uncertain Significance.

This study involves interpretation of variants in research participants for the purpose of population health screening. Participant phenotype was not available at the time of variant classification. Additional details can be found in publication PMID: 35346344, PMCID: PMC8962531

NM_001943.5(DSG2):c.2438G>T (p.Cys813Phe)

Genes: DSG2 (desmoglein 2; plus strand), DSG2-AS1 (DSG2 antisense RNA 1; minus strand). Cytogenetic location: 18q12.1.
Variant type: single nucleotide variant.
Coding change: c.2438G>T on transcript NM_001943.5 (MANE Select); coding-DNA position 2438, G replaced by T.
Protein change: p.Cys813Phe; replaces cysteine 813 with phenylalanine.
Molecular consequence: missense variant. On other transcripts: non-coding transcript variant (1).
Genome position (GRCh38, 1-based): chr18:31,545,824, G>T. VCF-style: chr18-31545824-G-T. GRCh37 (hg19) VCF-style: chr18-29125787-G-T.
Other names: short protein forms C813F.
Identifiers: ClinVar variation 1791260 (VCV001791260.6), dbSNP rs771255344, ClinGen allele CA297701847.